The following is an entry in ClinVar:

ClinVar aggregate classification (germline): Uncertain significance (1 of 4 stars; one submission).

Conditions:
Intellectual developmental disorder, autosomal dominant 1. Also called: Intellectual disability, autosomal dominant 1; MBD5 Haploinsufficiency. Identifiers: Orphanet 228402, MedGen C1969562, MONDO:0007974, OMIM 156200.

gnomAD v4.1: 1 of 1,613,786 alleles (0.000062%); highest among the groups gnomAD compares: Non-Finnish European, 0.000085%; no homozygotes.

Submission:

Labcorp Genetics (formerly Invitae), Labcorp
Classification: Uncertain significance for Intellectual developmental disorder, autosomal dominant 1. Last evaluated: 2022-10-14. Review status: criteria provided, single submitter. Criteria: Invitae Variant Classification Sherloc (09022015). Collection method: clinical testing. Allele origin: germline.
Comment: This sequence change replaces valine, which is neutral and non-polar, with isoleucine, which is neutral and non-polar, at codon 488 of the MBD5 protein (p.Val488Ile). This variant is not present in population databases (gnomAD no frequency). This variant has not been reported in the literature in individuals affected with MBD5-related conditions. ClinVar contains an entry for this variant (Variation ID: 935010). Advanced modeling of protein sequence and biophysical properties (such as structural, functional, and spatial information, amino acid conservation, physicochemical variation, residue mobility, and thermodynamic stability) performed at Invitae indicates that this missense variant is not expected to disrupt MBD5 protein function. In summary, the available evidence is currently insufficient to determine the role of this variant in disease. Therefore, it has been classified as a Variant of Uncertain Significance.

NM_001378120.1(MBD5):c.1462G>A (p.Val488Ile)

Gene: MBD5 (methyl-CpG binding domain protein 5; plus strand). Cytogenetic location: 2q23.1.
Variant type: single nucleotide variant.
Coding change: c.1462G>A on transcript NM_001378120.1 (MANE Select); coding-DNA position 1462, G replaced by A.
Protein change: p.Val488Ile; replaces valine 488 with isoleucine.
Molecular consequence: missense variant.
Genome position (GRCh38, 1-based): chr2:148,469,405, G>A. VCF-style: chr2-148469405-G-A. GRCh37 (hg19) VCF-style: chr2-149226974-G-A.
Other names: c.1462G>A, p.Val488Ile (NM_018328.5); short protein forms V488I.
Identifiers: ClinVar variation 935010 (VCV000935010.10), dbSNP rs778427674, ClinGen allele CA348719738.